The following is an entry in ClinVar:

ClinVar aggregate classification (germline): Likely benign. Review status: criteria provided, multiple submitters, no conflicts (2 of 4 stars). 2 submissions from 2 submitters: Likely benign (2). Last evaluated 2026-05-01.

Conditions:
Aicardi-Goutieres syndrome 7 (AGS7). Identifiers: Orphanet 51, MedGen C3888244, MONDO:0014367, OMIM 615846.
Singleton-Merten syndrome 1 (SGMRT1). Also called: Widened medullary cavities of bone, aortic calcification, abnormal dentition, and muscular weakness; Syndrome of widened medullary cavities of the metacarpals and phalanges, aortic calcification and abnormal dentition. Identifiers: Orphanet 85191, MedGen C4225427, MONDO:0024535, OMIM 182250.

Allele frequency attached by ClinVar (database versions not stated): gnomAD 0.00005; ExAC 0.00006; TOPMed 0.00006; gnomAD exomes 0.00010 and 0.00012.
gnomAD v4.1: 177 of 1,599,600 alleles (0.011%); highest among the groups gnomAD compares: Admixed American, 0.017%; no homozygotes.

Submissions (2):

CeGaT Center for Human Genetics Tuebingen
Classification: Likely benign. Last evaluated: 2026-05-01. Review status: criteria provided, single submitter. Criteria: CeGaT Center For Human Genetics Tuebingen Variant Classification Criteria Version 2. Collection method: clinical testing. Allele origin: germline. Affected: yes. Observed: 1 variant allele.
Comment: IFIH1: BP4, BP7

Labcorp Genetics (formerly Invitae), Labcorp
Classification: Likely benign for Aicardi-Goutieres syndrome 7; Singleton-Merten syndrome 1. Last evaluated: 2025-10-26. Review status: criteria provided, single submitter. Criteria: Invitae Variant Classification Sherloc (09022015). Collection method: clinical testing. Allele origin: germline.

NM_022168.4(IFIH1):c.2811A>G (p.Glu937=)

Gene: IFIH1 (interferon induced with helicase C domain 1; minus strand). Cytogenetic location: 2q24.2.
Variant type: single nucleotide variant.
Coding change: c.2811A>G on transcript NM_022168.4 (MANE Select); coding-DNA position 2811, A replaced by G.
Protein change: p.Glu937=; no amino-acid change (glutamic acid 937 retained).
Molecular consequence: synonymous variant.
Genome position (GRCh38, 1-based): chr2:162,267,566, T>C on the plus strand (A>G on the coding strand, the complement: IFIH1 is on the minus strand). VCF-style: chr2-162267566-T-C. GRCh37 (hg19) VCF-style: chr2-163124076-T-C.
Identifiers: ClinVar variation 1672243 (VCV001672243.10), dbSNP rs759715693, ClinGen allele CA1934059.